The following is an entry in ClinVar:

NM_000548.5(TSC2):c.336+14C>T

Gene: TSC2 (TSC complex subunit 2; plus strand). Cytogenetic location: 16p13.3.
Variant type: single nucleotide variant.
Coding change: c.336+14C>T on transcript NM_000548.5 (MANE Select); 14 bases into the intron after coding-DNA position 336, C replaced by T.
Molecular consequence: intron variant.
Genome position (GRCh38, 1-based): chr16:2,053,466, C>T. VCF-style: chr16-2053466-C-T. GRCh37 (hg19) VCF-style: chr16-2103467-C-T.
Other names: c.336+14C>T (NM_001114382.3, NM_021055.3, NM_001370405.1 and 3 more transcripts); c.226-830C>T (NM_001318827.2); c.-1-2730C>T (NM_001318831.2); c.189+14C>T (NM_001318829.2); c.369+14C>T (NM_001318832.2).
Identifiers: ClinVar variation 512755 (VCV000512755.43), dbSNP rs570065416, ClinGen allele CA045804.
Genomic context (GRCh38, chr16:2,053,466, plus strand): 5'-CCCGGCACGCGGTGCTGGCTCTGCTGAAGGCCATCGTGCAGGGGCAGGTAAGGCCCAGGG[C>T]GACGCTGGGATGGGTGACGTCAGGCTGCCCACTGACTGTCCTGTCCCTGCTGGGCCGTGT-3'

ClinVar aggregate classification (germline): Conflicting classifications of pathogenicity. Review status: criteria provided, conflicting classifications (1 of 4 stars). 6 submissions from 6 submitters: Uncertain significance (1); Benign (1); Likely benign (4). Last evaluated 2026-09-01.

Conditions:
Tuberous sclerosis 2 (TSC2). Identifiers: Orphanet 805, MedGen C1860707, MONDO:0013199, OMIM 613254.

Allele frequency attached by ClinVar (database versions not stated): TOPMed 0.00002; gnomAD exomes 0.00003 and 0.00005; ExAC 0.00010.
gnomAD v4.1: 75 of 1,554,622 alleles (0.0048%); highest among the groups gnomAD compares: Middle Eastern, 0.067%; 1 homozygote.

Submissions (7):

CeGaT Center for Human Genetics Tuebingen
Classification: Likely benign. Last evaluated: 2026-09-01. Review status: criteria provided, single submitter. Criteria: CeGaT Center For Human Genetics Tuebingen Variant Classification Criteria Version 2. Collection method: clinical testing. Allele origin: germline. Affected: yes. Observed: 6 variant alleles.
Comment: TSC2: BS2

Labcorp Genetics (formerly Invitae), Labcorp
Classification: Benign for Tuberous sclerosis 2. Last evaluated: 2026-01-27. Review status: criteria provided, single submitter. Criteria: Invitae Variant Classification Sherloc (09022015). Collection method: clinical testing. Allele origin: germline.

Blueprint Genetics
Classification: Likely benign. Last evaluated: 2024-11-20. Review status: criteria provided, single submitter. Criteria: ACMG Guidelines, 2015. Collection method: clinical testing. Allele origin: germline.

Genome-Nilou Lab
Classification: Likely benign for Tuberous sclerosis 2. Last evaluated: 2021-11-07. Review status: criteria provided, single submitter. Criteria: ACMG Guidelines, 2015. Collection method: clinical testing. Allele origin: germline. Affected: no.

Institute for Clinical Genetics, University Hospital TU Dresden, University Hospital TU Dresden
Classification: Uncertain significance. Last evaluated: 2021-11-03. Review status: criteria provided, single submitter. Criteria: ACMG Guidelines, 2015. Collection method: clinical testing. Allele origin: germline.

GeneDx
Classification: Likely benign. Last evaluated: 2017-10-24. Review status: criteria provided, single submitter. Criteria: GeneDx Variant Classification (06012015). Collection method: clinical testing. Allele origin: germline. Affected: yes.
Comment: This variant is considered likely benign or benign based on one or more of the following criteria: it is a conservative change, it occurs at a poorly conserved position in the protein, it is predicted to be benign by multiple in silico algorithms, and/or has population frequency not consistent with disease.

Dr. Peter K. Rogan Lab, Western University
No classification provided (evidence only). Condition: Cervical cancer. Review status: no classification provided. Collection method: in vitro. Allele origin: not applicable. Functional consequence: skipped exon. Not counted in ClinVar's aggregate classification.